The following is an entry in ClinVar:

ClinVar aggregate classification (germline): Uncertain significance (1 of 4 stars; one submission).

Conditions:
Cardiovascular phenotype. Identifiers: MedGen CN230736.

gnomAD v4.1: 10 of 1,609,632 alleles (0.00062%); highest among the groups gnomAD compares: African/African-American, 0.012%; no homozygotes.

Submission:

Ambry Genetics
Classification: Uncertain significance for Cardiovascular phenotype. Last evaluated: 2024-11-15. Review status: criteria provided, single submitter. Criteria: Ambry Variant Classification Scheme 2023. Collection method: clinical testing. Allele origin: germline.
Comment: The c.10068G>A variant (also known as p.L3356L), located in coding exon 29 of the TNXB gene, results from a G to A substitution at nucleotide position 10068. This nucleotide substitution does not change the leucine at codon 3356. This nucleotide position is not well conserved in available vertebrate species. In silico splice site analysis predicts that this alteration will result in the creation or strengthening of a novel splice acceptor site. Based on the available evidence, the clinical significance of this variant remains unclear.

NM_001365276.2(TNXB):c.10074G>A (p.Leu3358=)

Gene: TNXB (tenascin XB; minus strand). Cytogenetic location: 6p21.33.
Variant type: single nucleotide variant.
Coding change: c.10074G>A on transcript NM_001365276.2 (MANE Select); coding-DNA position 10074, G replaced by A.
Protein change: p.Leu3358=; no amino-acid change (leucine 3358 retained).
Molecular consequence: synonymous variant.
Genome position (GRCh38, 1-based): chr6:32,047,984, C>T on the plus strand (G>A on the coding strand, the complement: TNXB is on the minus strand). VCF-style: chr6-32047984-C-T. GRCh37 (hg19) VCF-style: chr6-32015761-C-T.
Other names: c.10815G>A, p.Leu3605= (NM_001428335.1); c.10068G>A, p.Leu3356= (NM_019105.8).
Identifiers: ClinVar variation 3459714 (VCV003459714.1).